The following is an entry in ClinVar:

NM_033116.6(NEK9):c.1840+2T>C

Gene: NEK9 (NIMA related kinase 9; minus strand). Cytogenetic location: 14q24.3.
Variant type: single nucleotide variant.
Coding change: c.1840+2T>C on transcript NM_033116.6 (MANE Select); the canonical splice donor site of the intron after coding-DNA position 1840, T replaced by C.
Molecular consequence: splice donor variant.
Genome position (GRCh38, 1-based): chr14:75,101,655, A>G on the plus strand (T>C on the coding strand, the complement: NEK9 is on the minus strand). VCF-style: chr14-75101655-A-G. GRCh37 (hg19) VCF-style: chr14-75568358-A-G.
Other names: c.1486+2T>C (NM_001329238.2); c.1876+2T>C (NM_001329237.2); c.1840+2T>C (NM_033116.5).
Identifiers: ClinVar variation 2038281 (VCV002038281.8), dbSNP rs146787666, ClinGen allele CA7276838.

ClinVar aggregate classification (germline): Conflicting classifications of pathogenicity. Review status: criteria provided, conflicting classifications (1 of 4 stars). 4 submissions from 4 submitters: Likely pathogenic (2); Uncertain significance (2). Last evaluated 2025-07-31.

Conditions:
NEK9-related lethal skeletal dysplasia. Also called: Lethal congenital contracture syndrome 10. Identifiers: Orphanet 464366, MedGen C5568141, MONDO:0014870, OMIM 617022.
NEK9-related disorder. Also called: NEK9-related condition.

Allele frequency attached by ClinVar (database versions not stated): ExAC 0.00019; gnomAD 0.00030; TOPMed 0.00034; ESP Exome Variant Server 0.00054; gnomAD exomes 0.00090.
gnomAD v4.1: 1,330 of 1,600,010 alleles (0.083%); highest among the groups gnomAD compares: Non-Finnish European, 0.11%; 3 homozygotes.

Submissions (6):

Dasa
Classification: Uncertain significance. Last evaluated: 2025-07-31. Review status: criteria provided, single submitter. Criteria: DASA Assertion Criteria. Collection method: clinical testing. Allele origin: germline.
Comment: NM_033116.6(NEK9):c.1840+2T>C affects a canonical splice site and is predicted to disrupt normal RNA splicing. This variant is rare in population databases. The currently available literature and clinical evidence are not sufficient to establish a definitive association between this variant and the reported condition. Therefore, this variant is classified as a variant of uncertain significance.

PreventionGenetics, part of Exact Sciences
Classification: Likely pathogenic for NEK9-related condition. Last evaluated: 2025-04-10. Review status: criteria provided, single submitter. Criteria: ACMG Guidelines, 2015. Collection method: clinical testing. Allele origin: germline.
Comment: The NEK9 c.1840+2T>C variant is predicted to disrupt the GT donor site and interfere with normal splicing. To our knowledge, this variant has not been reported in the literature. This variant is reported in 0.045% of alleles in individuals of European (Non-Finnish) descent in gnomAD. Variants that disrupt the consensus splice donor site in NEK9 are expected to be pathogenic. This variant is interpreted as likely pathogenic.

Department of Pathology and Laboratory Medicine, Sinai Health System
Classification: Uncertain significance for NEK9-related lethal skeletal dysplasia. Last evaluated: 2023-05-08. Review status: criteria provided, single submitter. Criteria: ACMG Guidelines, 2015. Collection method: research. Allele origin: germline.

Labcorp Genetics (formerly Invitae), Labcorp
Classification: Likely pathogenic. Last evaluated: 2022-07-05. Review status: criteria provided, single submitter. Criteria: Invitae Variant Classification Sherloc (09022015). Collection method: clinical testing. Allele origin: germline.
Comment: This sequence change affects a donor splice site in intron 15 of the NEK9 gene. It is expected to disrupt RNA splicing. Variants that disrupt the donor or acceptor splice site typically lead to a loss of protein function (PMID: 16199547), and loss-of-function variants in NEK9 are known to be pathogenic (PMID: 26908619, 29096039). This variant is present in population databases (rs146787666, gnomAD 0.05%). This variant has not been reported in the literature in individuals affected with NEK9-related conditions. Algorithms developed to predict the effect of sequence changes on RNA splicing suggest that this variant may disrupt the consensus splice site. In summary, the currently available evidence indicates that the variant is pathogenic, but additional data are needed to prove that conclusively. Therefore, this variant has been classified as Likely Pathogenic.

Dr. Peter K. Rogan Lab, Western University
No classification provided (evidence only). Condition: Malignant tumor of urinary bladder. Review status: no classification provided. Collection method: in vitro. Allele origin: not applicable. Functional consequence: retained intron. Not counted in ClinVar's aggregate classification.

Dr. Peter K. Rogan Lab, Western University
No classification provided (evidence only). Condition: Lung cancer. Review status: no classification provided. Collection method: in vitro. Allele origin: not applicable. Functional consequence: retained intron. Not counted in ClinVar's aggregate classification.

Literature cited by the submitters: PubMed 16199547 (cited by Labcorp Genetics (formerly Invitae), Labcorp); PubMed 26908619 (cited by Labcorp Genetics (formerly Invitae), Labcorp); PubMed 29096039 (cited by Labcorp Genetics (formerly Invitae), Labcorp).